The following is an entry in ClinVar:

ClinVar aggregate classification (germline): Conflicting classifications of pathogenicity. Review status: criteria provided, conflicting classifications (1 of 4 stars). 2 submissions from 2 submitters: Uncertain significance (1); Likely benign (1). Last evaluated 2025-07-13.

Allele frequency attached by ClinVar (database versions not stated): gnomAD exomes below 0.00001; gnomAD 0.00001; TOPMed 0.00002.
gnomAD v4.1: 11 of 1,610,304 alleles (0.00068%); highest among the groups gnomAD compares: East Asian, 0.0022%; no homozygotes.

Submissions (2):

Labcorp Genetics (formerly Invitae), Labcorp
Classification: Likely benign. Last evaluated: 2025-07-13. Review status: criteria provided, single submitter. Criteria: Invitae Variant Classification Sherloc (09022015). Collection method: clinical testing. Allele origin: germline.

GeneDx
Classification: Uncertain significance. Last evaluated: 2025-03-13. Review status: criteria provided, single submitter. Criteria: GeneDx Variant Classification Process June 2021. Collection method: clinical testing. Allele origin: germline. Affected: yes.
Comment: Reported as a variant of uncertain significance in a patient with ADHD (PMID: 37983059); In silico analysis supports that this missense variant has a deleterious effect on protein structure/function; This variant is associated with the following publications: (PMID: 37983059)

NM_014727.3(KMT2B):c.2599C>T (p.Arg867Cys)

Gene: KMT2B (lysine methyltransferase 2B; plus strand). Cytogenetic location: 19q13.12.
Variant type: single nucleotide variant.
Coding change: c.2599C>T on transcript NM_014727.3 (MANE Select); coding-DNA position 2599, C replaced by T.
Protein change: p.Arg867Cys; replaces arginine 867 with cysteine.
Molecular consequence: missense variant.
Genome position (GRCh38, 1-based): chr19:35,722,595, C>T. VCF-style: chr19-35722595-C-T. GRCh37 (hg19) VCF-style: chr19-36213497-C-T.
Other names: c.2599C>T (NM_014727.2); short protein forms R867C.
Identifiers: ClinVar variation 1903483 (VCV001903483.6), dbSNP rs1244812690, ClinGen allele CA405400460.